The following is an entry in ClinVar:

ClinVar aggregate classification (germline): Uncertain significance (1 of 4 stars; one submission).

Submission:

Labcorp Genetics (formerly Invitae), Labcorp
Classification: Uncertain significance. Last evaluated: 2025-12-08. Review status: criteria provided, single submitter. Criteria: Invitae Variant Classification Sherloc (09022015). Collection method: clinical testing. Allele origin: germline.
Comment: This sequence change replaces cysteine, which is neutral and slightly polar, with tyrosine, which is neutral and polar, at codon 188 of the CNGA1 protein (p.Cys188Tyr). This variant is not present in population databases (gnomAD no frequency). This missense change has been observed in individual(s) with CNGA1-related conditions (PMID: 38927562). This variant is also known as c.551G>A (p.Cys184Tyr). ClinVar contains an entry for this variant (Variation ID: 1374293). Invitae Evidence Modeling of protein sequence and biophysical properties (such as structural, functional, and spatial information, amino acid conservation, physicochemical variation, residue mobility, and thermodynamic stability) indicates that this missense variant is not expected to disrupt CNGA1 protein function with a negative predictive value of 80%. In summary, the available evidence is currently insufficient to determine the role of this variant in disease. Therefore, it has been classified as a Variant of Uncertain Significance.

Literature cited by the submitters: PubMed 38927562.

NM_001379270.1(CNGA1):c.551G>A (p.Cys184Tyr)

Genes: CNGA1 (cyclic nucleotide gated channel subunit alpha 1; minus strand), LOC101927157 (uncharacterized LOC101927157; plus strand). Cytogenetic location: 4p12.
Variant type: single nucleotide variant.
Coding change: c.551G>A on transcript NM_001379270.1 (MANE Select); coding-DNA position 551, G replaced by A.
Protein change: p.Cys184Tyr; replaces cysteine 184 with tyrosine.
Molecular consequence: missense variant.
Genome position (GRCh38, 1-based): chr4:47,940,864, C>T on the plus strand (G>A on the coding strand, the complement: CNGA1 is on the minus strand). VCF-style: chr4-47940864-C-T. GRCh37 (hg19) VCF-style: chr4-47942881-C-T.
Other names: c.551G>A, p.Cys184Tyr (NM_000087.5, NM_001142564.2); short protein forms C184Y.
Identifiers: ClinVar variation 1374293 (VCV001374293.6), dbSNP rs2110137200, ClinGen allele CA356831174.